The following is an entry in ClinVar:

ClinVar aggregate classification (germline): Uncertain significance (1 of 4 stars; one submission).

Conditions:
Autoimmune interstitial lung disease-arthritis syndrome. Also called: Autoinflammation and autoimmunity, systemic, with immune dysregulation. Identifiers: Orphanet 444092, MedGen C5975714, MONDO:0014629.

gnomAD v4.1: 2 of 1,613,514 alleles (0.00012%); highest among the groups gnomAD compares: Non-Finnish European, 0.00017%; no homozygotes.

Submission:

Labcorp Genetics (formerly Invitae), Labcorp
Classification: Uncertain significance for Autoimmune interstitial lung disease-arthritis syndrome. Last evaluated: 2022-06-24. Review status: criteria provided, single submitter. Criteria: Invitae Variant Classification Sherloc (09022015). Collection method: clinical testing. Allele origin: germline.
Comment: This variant is not present in population databases (gnomAD no frequency). This sequence change replaces threonine, which is neutral and polar, with isoleucine, which is neutral and non-polar, at codon 244 of the COPA protein (p.Thr244Ile). In summary, the available evidence is currently insufficient to determine the role of this variant in disease. Therefore, it has been classified as a Variant of Uncertain Significance. Advanced modeling of protein sequence and biophysical properties (such as structural, functional, and spatial information, amino acid conservation, physicochemical variation, residue mobility, and thermodynamic stability) performed at Invitae indicates that this missense variant is not expected to disrupt COPA protein function. This variant has not been reported in the literature in individuals affected with COPA-related conditions.

NM_004371.4(COPA):c.731C>T (p.Thr244Ile)

Gene: COPA (coat protein complex I subunit alpha; minus strand). Cytogenetic location: 1q23.2.
Variant type: single nucleotide variant.
Coding change: c.731C>T on transcript NM_004371.4 (MANE Select); coding-DNA position 731, C replaced by T.
Protein change: p.Thr244Ile; replaces threonine 244 with isoleucine.
Molecular consequence: missense variant.
Genome position (GRCh38, 1-based): chr1:160,314,101, G>A on the plus strand (C>T on the coding strand, the complement: COPA is on the minus strand). VCF-style: chr1-160314101-G-A. GRCh37 (hg19) VCF-style: chr1-160283891-G-A.
Other names: c.731C>T, p.Thr244Ile (NM_001098398.2); short protein forms T244I.
Identifiers: ClinVar variation 2000005 (VCV002000005.4), dbSNP rs2525411095, ClinGen allele CA343264450.